The following is an entry in ClinVar:

NM_002495.4(NDUFS4):c.504_511del (p.Arg169fs)

Gene: NDUFS4 (NADH:ubiquinone oxidoreductase subunit S4; plus strand). Cytogenetic location: 5q11.2.
Variant type: Deletion.
Coding change: c.504_511del on transcript NM_002495.4 (MANE Select); coding-DNA positions 504 to 511, 8 bases deleted (AAGAACAA; older notation c.504_511delAAGAACAA).
Protein change: p.Arg169fs; shifts the reading frame from arginine 169.
Molecular consequence: frameshift variant. On other transcripts: 3 prime UTR variant (1), non-coding transcript variant (3).
Genome position (GRCh38, 1-based): chr5:53,683,197-53,683,204, AAGAACAA deleted; deleting any 8 consecutive bases within chr5:53,683,191-53,683,204 gives the same sequence; the c. name uses the placement nearest the transcript's 3' end. VCF-style (leftmost placement, unchanged base first): chr5-53683190-GGAACAAAA-G. GRCh37 (hg19) VCF-style: chr5-52979020-GGAACAAAA-G.
Other names: c.*67_*74del (NM_001318051.2); short protein forms R169fs.
Identifiers: ClinVar variation 2429189 (VCV002429189.3), dbSNP rs2478878843, ClinGen allele CA913108950.

ClinVar aggregate classification (germline): Likely pathogenic (1 of 4 stars; one submission).

Conditions:
Leigh syndrome (NULS). Also called: Leigh's syndrome; Leigh Disease; Subacute necrotizing encephalopathy; Necrotizing encephalopathy infantile subacute of Leigh; LEIGH SYNDROME, NUCLEAR; Leigh's necrotizing encephalopathy. Identifiers: Orphanet 506, MedGen C2931891, MONDO:0009723, OMIM 256000.

Submission:

Women's Health and Genetics/Laboratory Corporation of America, LabCorp
Classification: Likely pathogenic for Leigh syndrome. Last evaluated: 2023-01-24. Review status: criteria provided, single submitter. Criteria: LabCorp Variant Classification Summary - May 2015. Collection method: clinical testing. Allele origin: germline.
Comment: Variant summary: NDUFS4 c.504_511delAAGAACAA (p.Arg169SerfsX9) causes a frameshift, which results in an extension of the protein. Extension of the NDUFS4 protein have been classified as pathogenic by our laboratory and is associated with Leigh syndrome in HGMD. The variant was absent in 250762 control chromosomes (gnomAD). To our knowledge, no occurrence of c.504_511delAAGAACAA in individuals affected with Leigh Syndrome and no experimental evidence demonstrating its impact on protein function have been reported. No clinical diagnostic laboratories have submitted clinical-significance assessments for this variant to ClinVar after 2014. Based on the evidence outlined above, the variant was classified as likely pathogenic.